The following is an entry in ClinVar:

NM_001165963.4(SCN1A):c.1082G>T (p.Gly361Val)

Gene: SCN1A (sodium voltage-gated channel alpha subunit 1; minus strand). Cytogenetic location: 2q24.3.
Variant type: single nucleotide variant.
Coding change: c.1082G>T on transcript NM_001165963.4 (MANE Select); coding-DNA position 1082, G replaced by T.
Protein change: p.Gly361Val; replaces glycine 361 with valine.
Molecular consequence: missense variant. On other transcripts: 5 prime UTR variant (1), non-coding transcript variant (1).
Genome position (GRCh38, 1-based): chr2:166,047,715, C>A on the plus strand (G>T on the coding strand, the complement: SCN1A is on the minus strand). VCF-style: chr2-166047715-C-A. GRCh37 (hg19) VCF-style: chr2-166904225-C-A.
Other names: c.1082G>T, p.Gly361Val (NM_001165964.3, NM_001202435.3, NM_001353948.2 and 10 more transcripts); c.-1344G>T (NM_001353961.2); short protein forms G361V.
Identifiers: ClinVar variation 4800293 (VCV004800293.1).

ClinVar aggregate classification (germline): Likely pathogenic (1 of 4 stars; one submission).

Conditions:
Early-infantile DEE. Also called: Early infantile epileptic encephalopathy with suppression bursts; Early infantile epileptic encephalopathy; Ohtahara syndrome. Identifiers: Orphanet 1934, MedGen C0393706, MONDO:0800491.

Submission:

Labcorp Genetics (formerly Invitae), Labcorp
Classification: Likely pathogenic for Early-infantile DEE. Last evaluated: 2025-02-15. Review status: criteria provided, single submitter. Criteria: Invitae Variant Classification Sherloc (09022015). Collection method: clinical testing. Allele origin: germline.
Comment: This sequence change replaces glycine, which is neutral and non-polar, with valine, which is neutral and non-polar, at codon 361 of the SCN1A protein (p.Gly361Val). This variant is not present in population databases (gnomAD no frequency). This missense change has been observed in individual(s) with seizures (PMID: 36684540). Invitae Evidence Modeling of protein sequence and biophysical properties (such as structural, functional, and spatial information, amino acid conservation, physicochemical variation, residue mobility, and thermodynamic stability) indicates that this missense variant is expected to disrupt SCN1A protein function with a positive predictive value of 95%. This variant disrupts the p.Gly361 amino acid residue in SCN1A. Other variant(s) that disrupt this residue have been determined to be pathogenic (internal data). This suggests that this residue is clinically significant, and that variants that disrupt this residue are likely to be disease-causing. In summary, the currently available evidence indicates that the variant is pathogenic, but additional data are needed to prove that conclusively. Therefore, this variant has been classified as Likely Pathogenic.

Literature cited by the submitters: PubMed 36684540.